The following is an entry in ClinVar:

ClinVar aggregate classification (germline): Benign/Likely benign. Review status: criteria provided, multiple submitters, no conflicts (2 of 4 stars). 5 submissions from 5 submitters: Benign (3); Likely benign (1). 1 of the submissions does not count toward it. Last evaluated 2026-06-01.

Conditions:
CUL7-related disorder. Also called: CUL7-related condition.
3M syndrome 1. Also called: 3-M Syndrome, CUL7-Related. Identifiers: Orphanet 2616, MedGen C2678312, MONDO:0010117, OMIM 273750.

Allele frequency attached by ClinVar (database versions not stated): 1000 Genomes Project 30x 0.00312; 1000 Genomes Project 0.00339; gnomAD 0.00688; TOPMed 0.00700; gnomAD exomes 0.00777 and 0.00992; ExAC 0.00838; ESP Exome Variant Server 0.00846.
gnomAD v4.1: 15,457 of 1,614,112 alleles (0.96%); highest among the groups gnomAD compares: Middle Eastern, 1.5%; 95 homozygotes.

Submissions (5):

CeGaT Center for Human Genetics Tuebingen
Classification: Benign. Last evaluated: 2026-06-01. Review status: criteria provided, single submitter. Criteria: CeGaT Center For Human Genetics Tuebingen Variant Classification Criteria Version 2. Collection method: clinical testing. Allele origin: germline. Affected: yes. Observed: 7 variant alleles.
Comment: CUL7: BP4, BS1, BS2

Women's Health and Genetics/Laboratory Corporation of America, LabCorp
Classification: Likely benign. Last evaluated: 2026-05-11. Review status: criteria provided, single submitter. Criteria: LabCorp Variant Classification Summary - May 2015. Collection method: clinical testing. Allele origin: germline.

Labcorp Genetics (formerly Invitae), Labcorp
Classification: Benign. Last evaluated: 2026-02-04. Review status: criteria provided, single submitter. Criteria: Invitae Variant Classification Sherloc (09022015). Collection method: clinical testing. Allele origin: germline.

Illumina Laboratory Services, Illumina
Classification: Benign for 3M syndrome 1. Last evaluated: 2018-01-12. Review status: criteria provided, single submitter. Criteria: ICSL Variant Classification Criteria 13 December 2019. Collection method: clinical testing. Allele origin: germline.
Comment: This variant was observed in the ICSL laboratory as part of a predisposition screen in an ostensibly healthy population. It had not been previously curated by ICSL or reported in the Human Gene Mutation Database (HGMD: prior to June 1st, 2018), and was therefore a candidate for classification through an automated scoring system. Utilizing variant allele frequency, disease prevalence and penetrance estimates, and inheritance mode, an automated score was calculated to assess if this variant is too frequent to cause the disease. Based on the score and internal cut-off values, a variant classified as benign is not then subjected to further curation. The score for this variant resulted in a classification of benign for this disease.

PreventionGenetics, part of Exact Sciences
Classification: Benign for CUL7-related condition. Last evaluated: 2019-03-25. Review status: no assertion criteria provided. Collection method: clinical testing. Allele origin: germline. Not counted in ClinVar's aggregate classification.
Comment: This variant is classified as benign based on ACMG/AMP sequence variant interpretation guidelines (Richards et al. 2015 PMID: 25741868, with internal and published modifications).

NM_014780.5(CUL7):c.4463T>C (p.Leu1488Pro)

Gene: CUL7 (cullin 7; minus strand). Cytogenetic location: 6p21.1.
Variant type: single nucleotide variant.
Coding change: c.4463T>C on transcript NM_014780.5 (MANE Select); coding-DNA position 4463, T replaced by C.
Protein change: p.Leu1488Pro; replaces leucine 1488 with proline.
Molecular consequence: missense variant.
Genome position (GRCh38, 1-based): chr6:43,038,670, A>G on the plus strand (T>C on the coding strand, the complement: CUL7 is on the minus strand). VCF-style: chr6-43038670-A-G. GRCh37 (hg19) VCF-style: chr6-43006408-A-G.
Other names: c.4559T>C, p.Leu1520Pro (NM_001168370.2, NM_001374872.1); c.4463T>C, p.Leu1488Pro (NM_001374873.1); c.4460T>C, p.Leu1487Pro (NM_001374874.1); short protein forms L1488P, L1487P, L1520P.
Identifiers: ClinVar variation 356822 (VCV000356822.35), dbSNP rs41274912, ClinGen allele CA3813194.
Genomic context (GRCh38, chr6:43,038,670, plus strand): 5'-GAAGAGGTGAGGGGCCCAATCGCCTGATTGAGCATGTCTGCGGAGAGCCCTGAGAACGCC[A>G]GCAGACTCTCCACAGAGACCGCCTTCAGAGAACAGATGGGAGACATTCAGGGCCTCCCCA-3'
Protein context (NP_055595.2, residues 1478-1498): DLKAVSVESL[Leu1488Pro]AFSGLSADML